The following is an entry in ClinVar:

NM_000018.4(ACADVL):c.1077+1G>A

Gene: ACADVL (acyl-CoA dehydrogenase very long chain; plus strand). Cytogenetic location: 17p13.1.
Variant type: single nucleotide variant.
Coding change: c.1077+1G>A on transcript NM_000018.4 (MANE Select); the canonical splice donor site of the intron after coding-DNA position 1077, G replaced by A.
Molecular consequence: splice donor variant.
Genome position (GRCh38, 1-based): chr17:7,222,866, G>A. VCF-style: chr17-7222866-G-A. GRCh37 (hg19) VCF-style: chr17-7126185-G-A.
Other names: c.1146+1G>A (NM_001270447.2); c.849+1G>A (NM_001270448.2); c.1011+1G>A (NM_001033859.3).
Identifiers: ClinVar variation 448981 (VCV000448981.25), dbSNP rs140989450, ClinGen allele CA287437693.

ClinVar aggregate classification (germline): Likely pathogenic. Review status: reviewed by expert panel (3 of 4 stars). 9 submissions from 9 submitters: Likely pathogenic (1). 8 of the submissions do not count toward it. Last evaluated 2022-07-12.

Conditions:
Very long chain acyl-CoA dehydrogenase deficiency (ACADVLD). Also called: Very Long-Chain Acyl-Coenzyme A Dehydrogenase Deficiency; VLCAD Deficiency. Identifiers: Orphanet 26793, MedGen C3887523, MONDO:0008723, OMIM 201475.

Allele frequency attached by ClinVar (database versions not stated): ESP Exome Variant Server 0.00008.
gnomAD v4.1: 7 of 1,611,108 alleles (0.00043%); highest among the groups gnomAD compares: Non-Finnish European, 0.00059%; no homozygotes.

Submissions (9):

ClinGen ACADVL Variant Curation Expert Panel, ClinGen
Classification: Likely pathogenic for Very long chain acyl-CoA dehydrogenase deficiency. Last evaluated: 2022-07-12. Review status: reviewed by expert panel. Criteria: clingen acadvl acmg specifications v1. Collection method: curation. Allele origin: germline. Inheritance: Autosomal recessive inheritance.
Comment: The c.1077+1G>A variant in ACADVL occurs within the canonical splice donor site of intron 10. It is predicted to cause skipping of biologically-relevant-exon 10, resulting in a frameshift leading to nonsense mediated decay in a gene in which loss-of-function is an established disease mechanism (PVS1, PMIDs: 9973285, 11590124). The highest population minor allele frequency in gnomAD is 0.00006 in the African population, which is lower than the ClinGen ACADVL Variant Curation Expert Panel threshold (<0.001) meeting this criterion (PM2_Supporting). This variant has been reported once as a heterozygote associated with very-long chain acyl-CoA dehydrogenase deficiency (PMID: 26385305). The ACADVL Variant Curation Expert Panel VCEP classified the variant as likely pathogenic based on PVS1+PM2_supporting.

Natera, Inc.
Classification: Pathogenic for Very long chain acyl-CoA dehydrogenase deficiency. Last evaluated: 2025-12-17. Review status: criteria provided, single submitter. Criteria: Natera Variant Classification Schema (03/2026). Collection method: clinical testing. Allele origin: germline. Not counted in ClinVar's aggregate classification.
Comment: The c.1077+1G>A variant in ACADVL is a canonical splice donor site variant predicted to affect pre-mRNA splicing, which may result in an abnormal transcript and altered protein product. This variant is expected to result in nonsense mediated decay, truncation, or a dysfunctional protein product. This variant is rare in the general population with a frequency below the threshold expected for the associated phenotype(s). Another variant at this same site results in an alteration predicted to cause a similar molecular effect has been observed in individual(s) with the associated phenotype. Given the available evidence, this variant is classified as Pathogenic.

Labcorp Genetics (formerly Invitae), Labcorp
Classification: Pathogenic for Very long chain acyl-CoA dehydrogenase deficiency. Last evaluated: 2025-07-08. Review status: criteria provided, single submitter. Criteria: Invitae Variant Classification Sherloc (09022015). Collection method: clinical testing. Allele origin: germline. Not counted in ClinVar's aggregate classification.
Comment: This sequence change affects a donor splice site in intron 10 of the ACADVL gene. It is expected to disrupt RNA splicing. Variants that disrupt the donor or acceptor splice site typically lead to a loss of protein function (PMID: 16199547), and loss-of-function variants in ACADVL are known to be pathogenic (PMID: 9973285, 11590124). This variant is present in population databases (rs140989450, gnomAD 0.0009%). Disruption of this splice site has been observed in individual(s) with very long chain acyl-CoA dehydrogenase deficiency (PMID: 25338548, 30194637). ClinVar contains an entry for this variant (Variation ID: 448981). Algorithms developed to predict the effect of sequence changes on RNA splicing suggest that this variant may disrupt the consensus splice site. For these reasons, this variant has been classified as Pathogenic.

Women's Health and Genetics/Laboratory Corporation of America, LabCorp
Classification: Likely pathogenic for Very long chain acyl-CoA dehydrogenase deficiency. Last evaluated: 2025-01-27. Review status: criteria provided, single submitter. Criteria: LabCorp Variant Classification Summary - May 2015. Collection method: clinical testing. Allele origin: germline. Not counted in ClinVar's aggregate classification.
Comment: Variant summary: ACADVL c.1077+1G>A is located in a canonical splice-site and is predicted to affect mRNA splicing resulting in a significantly altered protein due to either exon skipping, shortening, or inclusion of intronic material. Variants that disrupt the consensus splice site are a relatively common cause of aberrant splicing and loss of ACADVL function. Several computational tools predict a significant impact on normal splicing: Four predict the variant abolishes a 5' splicing donor site. However, these predictions have yet to be confirmed by functional studies. The variant allele was found at a frequency of 8e-06 in 249894 control chromosomes (gnomAD). c.1077+1G>A has been reported in the literature in individuals affected with very long chain acyl-CoA dehydrogenase deficiency. However, the information of the second variant has not been specified (example: Rouyer_2024, Miller_2015). These data indicate that the variant is likely associated with disease. To our knowledge, no experimental evidence demonstrating an impact on protein function has been reported. The following publications have been ascertained in the context of this evaluation (PMID: 38015438, 26385305). ClinVar contains an entry for this variant (Variation ID: 448981). Based on the evidence outlined above, the variant was classified as likely pathogenic.

GeneDx
Classification: Pathogenic. Last evaluated: 2023-09-27. Review status: criteria provided, single submitter. Criteria: GeneDx Variant Classification Process June 2021. Collection method: clinical testing. Allele origin: germline. Affected: yes. Not counted in ClinVar's aggregate classification.
Comment: Published in an individual with an abnormal newborn screening result for VLCAD deficiency; a second variant was not identified (Miller et al. 2015); Canonical splice site variant predicted to result in a null allele in a gene for which loss-of-function is a known mechanism of disease; Not observed at significant frequency in large population cohorts (gnomAD); This variant is associated with the following publications: (PMID: 34426522, 11590124, 26385305, 9973285, 25338548, 30194637)

Baylor Genetics
Classification: Likely pathogenic for Very long chain acyl-CoA dehydrogenase deficiency. Last evaluated: 2023-07-11. Review status: criteria provided, single submitter. Criteria: ACMG Guidelines, 2015. Collection method: clinical testing. Allele origin: unknown. Not counted in ClinVar's aggregate classification.

Revvity Omics, Revvity
Classification: Likely pathogenic for Very long chain acyl-CoA dehydrogenase deficiency. Last evaluated: 2022-09-21. Review status: criteria provided, single submitter. Criteria: ACMG Guidelines, 2015. Collection method: clinical testing. Allele origin: germline. Not counted in ClinVar's aggregate classification.

Wong Mito Lab, Molecular and Human Genetics, Baylor College of Medicine
Classification: Pathogenic for Very long chain acyl-CoA dehydrogenase deficiency. Last evaluated: 2019-11-01. Review status: criteria provided, single submitter. Criteria: ACMG Guidelines, 2015. Collection method: clinical testing. Allele origin: germline. Not counted in ClinVar's aggregate classification.
Comment: The NM_000018.3:c.1077+1G>A (NP_000009.1:p.?) [GRCH38: NC_000017.11:g.7222866G>A] variant in ACADVL gene is interpretated to be Pathogenic based on ACMG guidelines (PMID: 25741868). This variant has been reported. This variant meets the following evidence codes reported in the ACMG guidelines: PVS1, PS3

Counsyl
Classification: Likely pathogenic for Very long chain acyl-CoA dehydrogenase deficiency. Last evaluated: 2017-04-17. Review status: no assertion criteria provided. Collection method: clinical testing. Allele origin: unknown. Not counted in ClinVar's aggregate classification.

Literature cited by the submitters: PubMed 16199547 (cited by Labcorp Genetics (formerly Invitae), Labcorp); PubMed 9973285 (cited by Labcorp Genetics (formerly Invitae), Labcorp); PubMed 11590124 (cited by Labcorp Genetics (formerly Invitae), Labcorp); PubMed 25338548 (cited by Labcorp Genetics (formerly Invitae), Labcorp); PubMed 30194637 (cited by Labcorp Genetics (formerly Invitae), Labcorp); PubMed 26385305 (cited by Women's Health and Genetics/Laboratory Corporation of America, LabCorp); PubMed 38015438 (cited by Women's Health and Genetics/Laboratory Corporation of America, LabCorp).